The following is an entry in ClinVar:

ClinVar aggregate classification (germline): Benign (0 of 4 stars; one submission).

Conditions:
KCNJ12-related disorder. Also called: KCNJ12-related condition.

Allele frequency attached by ClinVar (database versions not stated): ExAC 0.36081.

Submission:

PreventionGenetics, part of Exact Sciences
Classification: Benign for KCNJ12-related condition. Last evaluated: 2019-10-17. Review status: no assertion criteria provided. Collection method: clinical testing. Allele origin: germline.
Comment: This variant is classified as benign based on ACMG/AMP sequence variant interpretation guidelines (Richards et al. 2015 PMID: 25741868, with internal and published modifications).

NM_021012.5(KCNJ12):c.425C>A (p.Thr142Asn)

Gene: KCNJ12 (potassium inwardly rectifying channel subfamily J member 12; plus strand). Cytogenetic location: 17p11.2.
Variant type: single nucleotide variant.
Coding change: c.425C>A on transcript NM_021012.5 (MANE Select); coding-DNA position 425, C replaced by A.
Protein change: p.Thr142Asn; replaces threonine 142 with asparagine.
Molecular consequence: missense variant.
Genome position (GRCh38, 1-based): chr17:21,415,767, C>A. VCF-style: chr17-21415767-C-A. GRCh37 (hg19) VCF-style: chr17-21319079-C-A.
Other names: short protein forms T142N.
Identifiers: ClinVar variation 3059873 (VCV003059873.2), dbSNP rs76518282, ClinGen allele CA8451124.